The following is an entry in ClinVar:

ClinVar aggregate classification (germline): Uncertain significance. Review status: criteria provided, multiple submitters, no conflicts (2 of 4 stars). 4 submissions from 4 submitters: Uncertain significance (2). 2 of the submissions do not count toward it. Last evaluated 2024-10-07.

Conditions:
ATM-related disorder. Also called: ATM-related disorders; ATM-related condition.
Hereditary cancer-predisposing syndrome. Also called: Neoplastic Syndromes, Hereditary; Tumor predisposition; Hereditary Cancer Syndrome; Hereditary neoplastic syndrome. Identifiers: Orphanet 140162, MedGen C0027672, MeSH D009386, MONDO:0015356.
Ataxia-telangiectasia syndrome (AT). Also called: ATAXIA-TELANGIECTASIA, COMPLEMENTATION GROUP A; ATAXIA-TELANGIECTASIA, FRESNO VARIANT; Ataxia-telangiectasia; Ataxia-telangiectasia, complementation group D; AT, COMPLEMENTATION GROUP C; Ataxia-telangiectasia, complementation group E. Identifiers: Orphanet 100, MedGen C0004135, MONDO:0008840, OMIM 208900.

Submissions (4):

Ambry Genetics
Classification: Uncertain significance for Hereditary cancer-predisposing syndrome. Last evaluated: 2024-10-07. Review status: criteria provided, single submitter. Criteria: Ambry Variant Classification Scheme 2023. Collection method: clinical testing. Allele origin: germline.
Comment: The p.A1024T variant (also known as c.3070G>A), located in coding exon 19 of the ATM gene, results from a G to A substitution at nucleotide position 3070. The alanine at codon 1024 is replaced by threonine, an amino acid with similar properties. This amino acid position is highly conserved in available vertebrate species. In addition, the in silico prediction for this alteration is inconclusive. Based on the available evidence, the clinical significance of this variant remains unclear.

Labcorp Genetics (formerly Invitae), Labcorp
Classification: Uncertain significance for Ataxia-telangiectasia syndrome. Last evaluated: 2022-08-22. Review status: criteria provided, single submitter. Criteria: Invitae Variant Classification Sherloc (09022015). Collection method: clinical testing. Allele origin: germline.
Comment: This sequence change replaces alanine, which is neutral and non-polar, with threonine, which is neutral and polar, at codon 1024 of the ATM protein (p.Ala1024Thr). This variant is not present in population databases (gnomAD no frequency). This variant has not been reported in the literature in individuals affected with ATM-related conditions. ClinVar contains an entry for this variant (Variation ID: 524381). Advanced modeling of protein sequence and biophysical properties (such as structural, functional, and spatial information, amino acid conservation, physicochemical variation, residue mobility, and thermodynamic stability) performed at Invitae indicates that this missense variant is not expected to disrupt ATM protein function. In summary, the available evidence is currently insufficient to determine the role of this variant in disease. Therefore, it has been classified as a Variant of Uncertain Significance.

PreventionGenetics, part of Exact Sciences
Classification: Uncertain significance for ATM-related condition. Last evaluated: 2024-08-25. Review status: no assertion criteria provided. Collection method: clinical testing. Allele origin: germline. Not counted in ClinVar's aggregate classification.
Comment: The ATM c.3070G>A variant is predicted to result in the amino acid substitution p.Ala1024Thr. To our knowledge, this variant has not been reported in the literature or in a large population database, indicating this variant is rare. This variant has an interpretation of uncertain significance in ClinVar. At this time, the clinical significance of this variant is uncertain due to the absence of conclusive functional and genetic evidence.

Natera, Inc.
Classification: Uncertain significance for Ataxia-telangiectasia. Last evaluated: 2021-01-19. Review status: no assertion criteria provided. Collection method: clinical testing. Allele origin: germline. Not counted in ClinVar's aggregate classification.

NM_000051.4(ATM):c.3070G>A (p.Ala1024Thr)

Gene: ATM (ATM serine/threonine kinase; plus strand). Cytogenetic location: 11q22.3.
Variant type: single nucleotide variant.
Coding change: c.3070G>A on transcript NM_000051.4 (MANE Select); coding-DNA position 3070, G replaced by A.
Protein change: p.Ala1024Thr; replaces alanine 1024 with threonine.
Molecular consequence: missense variant.
Genome position (GRCh38, 1-based): chr11:108,271,399, G>A. VCF-style: chr11-108271399-G-A. GRCh37 (hg19) VCF-style: chr11-108142126-G-A.
Other names: c.3070G>A, p.Ala1024Thr (NM_001351834.2); short protein forms A1024T.
Identifiers: ClinVar variation 524381 (VCV000524381.15), dbSNP rs1397754737, ClinGen allele CA382547680.